The following is an entry in ClinVar:

NM_000041.4(APOE):c.818A>G (p.Glu273Gly)

Gene: APOE (apolipoprotein E; plus strand). Cytogenetic location: 19q13.32.
Variant type: single nucleotide variant.
Coding change: c.818A>G on transcript NM_000041.4 (MANE Select); coding-DNA position 818, A replaced by G.
Protein change: p.Glu273Gly; replaces glutamic acid 273 with glycine.
Molecular consequence: missense variant.
Genome position (GRCh38, 1-based): chr19:44,909,114, A>G. VCF-style: chr19-44909114-A-G. GRCh37 (hg19) VCF-style: chr19-45412371-A-G.
Other names: c.896A>G, p.Glu299Gly (NM_001302688.2); c.818A>G, p.Glu273Gly (NM_001302689.2, NM_001302690.2, NM_001302691.2); short protein forms E273G, E299G.
Identifiers: ClinVar variation 2446927 (VCV002446927.2), dbSNP rs951182634, ClinGen allele CA308886041.
Genomic context (GRCh38, chr19:44,909,114, plus strand): 5'-AGGTGGCGGAGGTGCGCGCCAAGCTGGAGGAGCAGGCCCAGCAGATACGCCTGCAGGCCG[A>G]GGCCTTCCAGGCCCGCCTCAAGAGCTGGTTCGAGCCCCTGGTGGAAGACATGCAGCGCCA-3'
Protein context (NP_000032.1, residues 263-283): EQAQQIRLQA[Glu273Gly]AFQARLKSWF

ClinVar aggregate classification (germline): Uncertain significance (1 of 4 stars; one submission).

Conditions:
Cardiovascular phenotype. Identifiers: MedGen CN230736.

Allele frequency attached by ClinVar (database versions not stated): gnomAD exomes below 0.00001; TOPMed 0.00005; gnomAD 0.00006.

Submission:

Ambry Genetics
Classification: Uncertain significance for Cardiovascular phenotype. Last evaluated: 2023-02-19. Review status: criteria provided, single submitter. Criteria: Ambry Variant Classification Scheme 2023. Collection method: clinical testing. Allele origin: germline.
Comment: The p.E273G variant (also known as c.818A>G), located in coding exon 3 of the APOE gene, results from an A to G substitution at nucleotide position 818. The glutamic acid at codon 273 is replaced by glycine, an amino acid with similar properties. This amino acid position is conserved. In addition, this alteration is predicted to be tolerated by in silico analysis. Since supporting evidence is limited at this time, the clinical significance of this alteration remains unclear.